The following is an entry in ClinVar:

ClinVar aggregate classification (germline): Pathogenic. Review status: criteria provided, multiple submitters, no conflicts (2 of 4 stars). 3 submissions from 3 submitters: Pathogenic (3). Last evaluated 2024-09-05.

Conditions:
Hereditary cancer-predisposing syndrome. Also called: Neoplastic Syndromes, Hereditary; Hereditary Cancer Syndrome; Tumor predisposition; Hereditary neoplastic syndrome. Identifiers: Orphanet 140162, MedGen C0027672, MeSH D009386, MONDO:0015356.

Submissions (3):

Ambry Genetics
Classification: Pathogenic for Hereditary cancer-predisposing syndrome. Last evaluated: 2024-09-05. Review status: criteria provided, single submitter. Criteria: Ambry Variant Classification Scheme 2023. Collection method: clinical testing. Allele origin: germline.
Comment: The p.E1035* pathogenic mutation (also known as c.3103G>T), located in coding exon 20 of the RAD50 gene, results from a G to T substitution at nucleotide position 3103. This changes the amino acid from a glutamic acid to a stop codon within coding exon 20. This variant is considered to be rare based on population cohorts in the Genome Aggregation Database (gnomAD). This alteration is expected to result in loss of function by premature protein truncation or nonsense-mediated mRNA decay. As such, this alteration is interpreted as a disease-causing mutation.

Labcorp Genetics (formerly Invitae), Labcorp
Classification: Pathogenic for Hereditary cancer-predisposing syndrome. Last evaluated: 2024-06-15. Review status: criteria provided, single submitter. Criteria: Invitae Variant Classification Sherloc (09022015). Collection method: clinical testing. Allele origin: germline.
Comment: This sequence change creates a premature translational stop signal (p.Glu1035*) in the RAD50 gene. It is expected to result in an absent or disrupted protein product. Loss-of-function variants in RAD50 are known to be pathogenic (PMID: 19409520). This variant is not present in population databases (gnomAD no frequency). This premature translational stop signal has been observed in individual(s) with RAD50-related conditions (PMID: 31159747). ClinVar contains an entry for this variant (Variation ID: 584475). For these reasons, this variant has been classified as Pathogenic.

GeneKor MSA
Classification: Pathogenic. Last evaluated: 2020-01-01. Review status: criteria provided, single submitter. Criteria: ACMG Guidelines, 2015. Collection method: clinical testing. Allele origin: germline. Affected: no.
Comment: This variant is a single amino acid change from Glutamate to a premature translational stop signal at codon 1035 of the RAD50 protein. This is expected to result in an absent or disrupted protein product. Truncating variants in RAD50 are known to be pathogenic (PMID: 19409520, 16385572).This variant has been described in the international literature in an individual undergoing panel testing for hereditary syndrome (PMID: 31159747).

Literature cited by the submitters: PubMed 19409520 (cited by Labcorp Genetics (formerly Invitae), Labcorp); PubMed 31159747 (cited by Labcorp Genetics (formerly Invitae), Labcorp).

NM_005732.4(RAD50):c.3103G>T (p.Glu1035Ter)

Gene: RAD50 (RAD50 double strand break repair protein; plus strand). Cytogenetic location: 5q31.1.
Variant type: single nucleotide variant.
Coding change: c.3103G>T on transcript NM_005732.4 (MANE Select); coding-DNA position 3103, G replaced by T.
Protein change: p.Glu1035Ter; replaces glutamic acid 1035 with a stop codon.
Molecular consequence: nonsense.
Genome position (GRCh38, 1-based): chr5:132,616,069, G>T. VCF-style: chr5-132616069-G-T. GRCh37 (hg19) VCF-style: chr5-131951761-G-T.
Other names: short protein forms E1035*.
Identifiers: ClinVar variation 584475 (VCV000584475.5), dbSNP rs1561650088, ClinGen allele CA360963643.